The following is an entry in ClinVar:

ClinVar aggregate classification (germline): Pathogenic (3 of 4 stars; one submission).

Conditions:
Breast-ovarian cancer, familial, susceptibility to, 1 (BROVCA1). Also called: BRCA1 Hereditary Breast and Ovarian Cancer; OVARIAN CANCER, SUSCEPTIBILITY TO. Identifiers: Orphanet 145, MedGen C2676676, MONDO:0011450, OMIM 604370. Disease mechanism: loss of function.

Submission:

Evidence-based Network for the Interpretation of Germline Mutant Alleles (ENIGMA)
Classification: Pathogenic for Breast-ovarian cancer, familial, susceptibility to, 1. Last evaluated: 2017-12-15. Review status: reviewed by expert panel. Criteria: ENIGMA BRCA1/2 Classification Criteria (2017-06-29). Collection method: curation. Allele origin: germline. Study: ENIGMA.
Comment: Variant allele predicted to encode a truncated non-functional protein.

NM_007294.4(BRCA1):c.2578_2579insTT (p.Thr860fs)

Gene: BRCA1 (BRCA1 DNA repair associated; minus strand). Cytogenetic location: 17q21.31.
Variant type: Insertion.
Coding change: c.2578_2579insTT on transcript NM_007294.4 (MANE Select); coding-DNA positions 2578 to 2579, TT inserted.
Protein change: p.Thr860fs; shifts the reading frame from threonine 860.
Molecular consequence: frameshift variant. On other transcripts: intron variant (137).
Genome position: GRCh38 VCF-style: chr17-43092952-G-GAA. GRCh37 (hg19) VCF-style: chr17-41244969-G-GAA.
Other names: c.2437_2438insTT, p.Thr813fs (NM_001407738.1, NM_001407739.1, NM_001407750.1 and 29 more transcripts); c.2434_2435insTT, p.Thr812fs (NM_001407740.1, NM_001407741.1, NM_001407742.1 and 20 more transcripts); c.2365_2366insTT, p.Thr789fs (NM_001407853.1, NM_001407894.1, NM_001407895.1 and 9 more transcripts); c.2578_2579insTT, p.Thr860fs (NM_001407854.1, NM_001407858.1, NM_001407859.1 and 30 more transcripts); c.2575_2576insTT, p.Thr859fs (NM_001407860.1, NM_001407861.1, NM_001407587.1 and 22 more transcripts); c.2377_2378insTT, p.Thr793fs (NM_001407862.1); c.2455_2456insTT, p.Thr819fs (NM_001407863.1, NM_001407919.1, NM_001407937.1 and 19 more transcripts); c.2374_2375insTT, p.Thr792fs (NM_001407874.1, NM_001407875.1); and 41 more; short protein forms T860fs, T813fs, T733fs, T789fs, T790fs, T818fs, T859fs, T692fs.
Identifiers: ClinVar variation 548227 (VCV000548227.3), dbSNP rs1555589340, ClinGen allele CA658823999.